The following is an entry in ClinVar:

NM_000393.5(COL5A2):c.1716+12G>A

Gene: COL5A2 (collagen type V alpha 2 chain; minus strand). Cytogenetic location: 2q32.2.
Variant type: single nucleotide variant.
Coding change: c.1716+12G>A on transcript NM_000393.5 (MANE Select); 12 bases into the intron after coding-DNA position 1716, G replaced by A.
Molecular consequence: intron variant.
Genome position (GRCh38, 1-based): chr2:189,064,545, C>T on the plus strand (G>A on the coding strand, the complement: COL5A2 is on the minus strand). VCF-style: chr2-189064545-C-T. GRCh37 (hg19) VCF-style: chr2-189929271-C-T.
Identifiers: ClinVar variation 255996 (VCV000255996.7), dbSNP rs745767713, ClinGen allele CA2022611.
Genomic context (GRCh38, chr2:189,064,545, plus strand): 5'-CAAAAACCCGACCAATGCATGCTCAGGAGCACTTCTCCCCTTTGATGTAGCAAACACTTG[C>T]TATATTCTTACCCGAGCACCTGGAAGCCCAGGTTCCCCTGGACGTCCTGGATCCCCCTGG-3'

ClinVar aggregate classification (germline): Likely benign. Review status: criteria provided, multiple submitters, no conflicts (2 of 4 stars). 4 submissions from 4 submitters: Likely benign (4). Last evaluated 2025-12-02.

Conditions:
Ehlers-Danlos syndrome, classic type, 1 (EDSCL1). Also called: Ehlers-Danlos Syndrome, Classic Type, COL5A1-Related; EHLERS-DANLOS SYNDROME, GRAVIS TYPE; EHLERS-DANLOS SYNDROME, SEVERE CLASSIC TYPE; Ehlers-Danlos syndrome, type 1; EDS I. Identifiers: MedGen C0268335, MONDO:0019567, OMIM 130000.

Allele frequency attached by ClinVar (database versions not stated): gnomAD 0.00001; TOPMed 0.00002; ExAC 0.00003; gnomAD exomes 0.00004 and 0.00003.
gnomAD v4.1: 64 of 1,599,900 alleles (0.004%); highest among the groups gnomAD compares: Middle Eastern, 0.066%; no homozygotes.

Submissions (4):

Women's Health and Genetics/Laboratory Corporation of America, LabCorp
Classification: Likely benign. Last evaluated: 2025-12-02. Review status: criteria provided, single submitter. Criteria: LabCorp Variant Classification Summary - May 2015. Collection method: clinical testing. Allele origin: germline.

Labcorp Genetics (formerly Invitae), Labcorp
Classification: Likely benign for Ehlers-Danlos syndrome, classic type, 1. Last evaluated: 2025-12-01. Review status: criteria provided, single submitter. Criteria: Invitae Variant Classification Sherloc (09022015). Collection method: clinical testing. Allele origin: germline.

GeneDx
Classification: Likely benign. Last evaluated: 2016-12-06. Review status: criteria provided, single submitter. Criteria: GeneDx Variant Classification (06012015). Collection method: clinical testing. Allele origin: germline. Affected: yes.
Comment: This variant is considered likely benign or benign based on one or more of the following criteria: it is a conservative change, it occurs at a poorly conserved position in the protein, it is predicted to be benign by multiple in silico algorithms, and/or has population frequency not consistent with disease.

PreventionGenetics, part of Exact Sciences
Classification: Likely benign. Review status: criteria provided, single submitter. Criteria: ACMG Guidelines, 2015. Collection method: clinical testing. Allele origin: germline.